The following is an entry in ClinVar:

NM_001370658.1(BTD):c.872G>C (p.Ser291Thr)

Gene: BTD (biotinidase; plus strand). Cytogenetic location: 3p25.1.
Variant type: single nucleotide variant.
Coding change: c.872G>C on transcript NM_001370658.1 (MANE Select); coding-DNA position 872, G replaced by C.
Protein change: p.Ser291Thr; replaces serine 291 with threonine.
Molecular consequence: missense variant. On other transcripts: intron variant (6).
Genome position (GRCh38, 1-based): chr3:15,644,788, G>C. VCF-style: chr3-15644788-G-C. GRCh37 (hg19) VCF-style: chr3-15686295-G-C.
Other names: c.872G>C, p.Ser291Thr (NM_001407373.1, NM_001407374.1, NM_001407375.1 and 18 more transcripts); c.399+2731G>C (NM_001370753.1, NM_001407400.1, NM_001407380.1 and 3 more transcripts); short protein forms S291T.
Identifiers: ClinVar variation 3768256 (VCV003768256.1).

ClinVar aggregate classification (germline): Uncertain significance (1 of 4 stars; one submission).

gnomAD v4.1: 1 of 1,614,162 alleles (0.000062%); highest among the groups gnomAD compares: African/African-American, 0.0013%; no homozygotes.

Submission:

Women's Health and Genetics/Laboratory Corporation of America, LabCorp
Classification: Uncertain significance. Last evaluated: 2024-12-04. Review status: criteria provided, single submitter. Criteria: LabCorp Variant Classification Summary - May 2015. Collection method: clinical testing. Allele origin: germline.
Comment: Variant summary: BTD c.872G>C (p.Ser291Thr) results in a conservative amino acid change located in the Carbon-nitrogen hydrolase domain profile (IPR003010) of the encoded protein sequence. Four of five in-silico tools predict a damaging effect of the variant on protein function. The variant was absent in 251388 control chromosomes. The available data on variant occurrences in the general population are insufficient to allow any conclusion about variant significance. c.872G>C has been reported in the literature in a compound heterozygous individual affected with Biotinidase Deficiency (Carvalho_2019). These data do not allow any conclusion about variant significance. To our knowledge, no experimental evidence demonstrating an impact on protein function has been reported. The following publication have been ascertained in the context of this evaluation (PMID: 30912303). No submitters have cited clinical-significance assessments for this variant to ClinVar. Based on the evidence outlined above, the variant was classified as uncertain significance.

Literature cited by the submitters: PubMed 30912303.